The following is an entry in ClinVar:

NM_004393.6(DAG1):c.1081C>T (p.Pro361Ser)

Gene: DAG1 (dystroglycan 1; plus strand). Cytogenetic location: 3p21.31.
Variant type: single nucleotide variant.
Coding change: c.1081C>T on transcript NM_004393.6 (MANE Select); coding-DNA position 1081, C replaced by T.
Protein change: p.Pro361Ser; replaces proline 361 with serine.
Molecular consequence: missense variant.
Genome position (GRCh38, 1-based): chr3:49,531,592, C>T. VCF-style: chr3-49531592-C-T. GRCh37 (hg19) VCF-style: chr3-49569025-C-T.
Other names: c.1081C>T, p.Pro361Ser (NM_001165928.4, NM_001177634.3, NM_001177635.3 and 9 more transcripts); short protein forms P361S.
Identifiers: ClinVar variation 1525012 (VCV001525012.8), dbSNP rs1248397261, ClinGen allele CA352794692.
Genomic context (GRCh38, chr3:49,531,592, plus strand): 5'-ACCCCCACATCTCCAGCCATTGCTCCTCCAACAGAGACCATGGCTCCTCCAGTCAGGGAT[C>T]CTGTTCCTGGGAAACCCACGGTCACCATCCGGACTCGAGGCGCCATTATTCAAACCCCAA-3'
Protein context (NP_004384.5, residues 351-371): TETMAPPVRD[Pro361Ser]VPGKPTVTIR

ClinVar aggregate classification (germline): Uncertain significance (1 of 4 stars; one submission).

Conditions:
Autosomal recessive limb-girdle muscular dystrophy type 2P. Also called: MUSCULAR DYSTROPHY-DYSTROGLYCANOPATHY, LIMB-GIRDLE, DAG1-RELATED; Limb-Girdle Muscular Dystrophy Type 9C; MUSCULAR DYSTROPHY, LIMB-GIRDLE, TYPE 2P. Identifiers: Orphanet 280333, MedGen C4511963, MONDO:0013440, OMIM 613818.
Muscular dystrophy-dystroglycanopathy (congenital with brain and eye anomalies), type A9. Also called: WALKER-WARBURG SYNDROME OR MUSCLE-EYE BRAIN DISEASE, DAG1-RELATED; Muscular dystrophy-dystroglycanopathy (congenital with brain and eye anomalies), type a, 9. Identifiers: Orphanet 370997, Orphanet 899, MedGen C4225291, MONDO:0014683, OMIM 616538.

Allele frequency attached by ClinVar (database versions not stated): gnomAD exomes below 0.00001; TOPMed below 0.00001; gnomAD 0.00001.
gnomAD v4.1: 2 of 1,612,908 alleles (0.00012%); highest among the groups gnomAD compares: South Asian, 0.0022%; no homozygotes.

Submission:

Labcorp Genetics (formerly Invitae), Labcorp
Classification: Uncertain significance for Autosomal recessive limb-girdle muscular dystrophy type 2P; Muscular dystrophy-dystroglycanopathy (congenital with brain and eye anomalies), type A9. Last evaluated: 2021-04-13. Review status: criteria provided, single submitter. Criteria: Invitae Variant Classification Sherloc (09022015). Collection method: clinical testing. Allele origin: germline.
Comment: In summary, the available evidence is currently insufficient to determine the role of this variant in disease. Therefore, it has been classified as a Variant of Uncertain Significance. This sequence change replaces proline with serine at codon 361 of the DAG1 protein (p.Pro361Ser). The proline residue is moderately conserved and there is a moderate physicochemical difference between proline and serine. This variant is not present in population databases (ExAC no frequency). This variant has not been reported in the literature in individuals with DAG1-related conditions. Algorithms developed to predict the effect of missense changes on protein structure and function are either unavailable or do not agree on the potential impact of this missense change (SIFT: "Tolerated"; PolyPhen-2: "Possibly Damaging"; Align-GVGD: "Class C0").